The following is an entry in ClinVar:

ClinVar aggregate classification (germline): Uncertain significance. Review status: criteria provided, multiple submitters, no conflicts (2 of 4 stars). 2 submissions from 2 submitters: Uncertain significance (2). Last evaluated 2025-05-08.

Conditions:
Inborn genetic diseases. Identifiers: MedGen C0950123, MeSH D030342.

gnomAD v4.1: 10 of 1,613,880 alleles (0.00062%); highest among the groups gnomAD compares: Non-Finnish European, 0.00085%; no homozygotes.

Submissions (2):

Labcorp Genetics (formerly Invitae), Labcorp
Classification: Uncertain significance. Last evaluated: 2025-05-08. Review status: criteria provided, single submitter. Criteria: Invitae Variant Classification Sherloc (09022015). Collection method: clinical testing. Allele origin: germline.
Comment: This sequence change replaces alanine, which is neutral and non-polar, with serine, which is neutral and polar, at codon 415 of the CDH2 protein (p.Ala415Ser). This variant is present in population databases (rs199631702, gnomAD 0.002%). This variant has not been reported in the literature in individuals affected with CDH2-related conditions. ClinVar contains an entry for this variant (Variation ID: 2328623). An algorithm developed to predict the effect of missense changes on protein structure and function outputs the following: PolyPhen-2: "Possibly Damaging". The serine amino acid residue is found in multiple mammalian species, which suggests that this missense change does not adversely affect protein function. In summary, the available evidence is currently insufficient to determine the role of this variant in disease. Therefore, it has been classified as a Variant of Uncertain Significance.

Ambry Genetics
Classification: Uncertain significance for Inborn genetic diseases. Last evaluated: 2022-11-21. Review status: criteria provided, single submitter. Criteria: Ambry Variant Classification Scheme 2023. Collection method: clinical testing. Allele origin: germline.

NM_001792.5(CDH2):c.1243G>T (p.Ala415Ser)

Gene: CDH2 (cadherin 2; minus strand). Cytogenetic location: 18q12.1.
Variant type: single nucleotide variant.
Coding change: c.1243G>T on transcript NM_001792.5 (MANE Select); coding-DNA position 1243, G replaced by T.
Protein change: p.Ala415Ser; replaces alanine 415 with serine.
Molecular consequence: missense variant.
Genome position (GRCh38, 1-based): chr18:27,992,756, C>A on the plus strand (G>T on the coding strand, the complement: CDH2 is on the minus strand). VCF-style: chr18-27992756-C-A. GRCh37 (hg19) VCF-style: chr18-25572720-C-A.
Other names: c.1150G>T, p.Ala384Ser (NM_001308176.2); short protein forms A384S, A415S.
Identifiers: ClinVar variation 2328623 (VCV002328623.3), dbSNP rs199631702, ClinGen allele CA8923477.
Genomic context (GRCh38, chr18:27,992,756, plus strand): 5'-TCTGGATGGCGAACCGTCCAGTAGGATCTCCGCCACTGATTCTGTACACTGCGTTCCAGG[C>A]TGGTGTATGGGGTTGATCCTTATCGGTCACAGTTAGATTAGCTACTATGATGTCTACCCT-3'
Protein context (NP_001783.2, residues 405-425): VTDKDQPHTP[Ala415Ser]WNAVYRISGG